The following is an entry in ClinVar:

ClinVar aggregate classification (germline): Uncertain significance (1 of 4 stars; one submission).

gnomAD v4.1: 2 of 1,609,170 alleles (0.00012%); highest among the groups gnomAD compares: Non-Finnish European, 0.00017%; no homozygotes.

Submission:

CeGaT Center for Human Genetics Tuebingen
Classification: Uncertain significance. Last evaluated: 2025-11-01. Review status: criteria provided, single submitter. Criteria: CeGaT Center For Human Genetics Tuebingen Variant Classification Criteria Version 2. Collection method: clinical testing. Allele origin: germline. Affected: yes. Observed: 1 variant allele.
Comment: COL6A3: PM2

NM_004369.4(COL6A3):c.7319C>T (p.Pro2440Leu)

Gene: COL6A3 (collagen type VI alpha 3 chain; minus strand). Cytogenetic location: 2q37.3.
Variant type: single nucleotide variant.
Coding change: c.7319C>T on transcript NM_004369.4 (MANE Select); coding-DNA position 7319, C replaced by T.
Protein change: p.Pro2440Leu; replaces proline 2440 with leucine.
Molecular consequence: missense variant.
Genome position (GRCh38, 1-based): chr2:237,344,699, G>A on the plus strand (C>T on the coding strand, the complement: COL6A3 is on the minus strand). VCF-style: chr2-237344699-G-A. GRCh37 (hg19) VCF-style: chr2-238253342-G-A.
Other names: c.5498C>T, p.Pro1833Leu (NM_057166.5); c.6701C>T, p.Pro2234Leu (NM_057167.4); short protein forms P1833L, P2234L, P2440L.
Identifiers: ClinVar variation 4535384 (VCV004535384.6).